The following is an entry in ClinVar:

ClinVar aggregate classification (germline): Uncertain significance (1 of 4 stars; one submission).

Conditions:
Joubert syndrome. Also called: Familial aplasia of the vermis; CEREBELLOPARENCHYMAL DISORDER IV; JOUBERT-BOLTSHAUSER SYNDROME. Identifiers: Orphanet 475, MedGen C5979921, MONDO:0018772.
Meckel-Gruber syndrome. Also called: Dysencephalia splachnocystica; DYSENCEPHALIA SPLANCHNOCYSTICA; GRUBER SYNDROME. Identifiers: Orphanet 564, MedGen C0265215, MONDO:0018921.

Submission:

Labcorp Genetics (formerly Invitae), Labcorp
Classification: Uncertain significance for Joubert syndrome; Meckel-Gruber syndrome. Last evaluated: 2020-09-24. Review status: criteria provided, single submitter. Criteria: Invitae Variant Classification Sherloc (09022015). Collection method: clinical testing. Allele origin: germline.
Comment: This sequence change replaces histidine with arginine at codon 115 of the B9D1 protein (p.His115Arg). The histidine residue is highly conserved and there is a small physicochemical difference between histidine and arginine. This variant is not present in population databases (ExAC no frequency). This variant has not been reported in the literature in individuals with B9D1-related conditions. Algorithms developed to predict the effect of missense changes on protein structure and function (SIFT, PolyPhen-2, Align-GVGD) all suggest that this variant is likely to be tolerated, but these predictions have not been confirmed by published functional studies and their clinical significance is uncertain. In summary, the available evidence is currently insufficient to determine the role of this variant in disease. Therefore, it has been classified as a Variant of Uncertain Significance.

NM_015681.6(B9D1):c.344A>G (p.His115Arg)

Gene: B9D1 (B9 domain containing 1; minus strand). Cytogenetic location: 17p11.2.
Variant type: single nucleotide variant.
Coding change: c.344A>G on transcript NM_015681.6 (MANE Select); coding-DNA position 344, A replaced by G.
Protein change: p.His115Arg; replaces histidine 115 with arginine.
Molecular consequence: missense variant. On other transcripts: 5 prime UTR variant (1).
Genome position (GRCh38, 1-based): chr17:19,347,329, T>C on the plus strand (A>G on the coding strand, the complement: B9D1 is on the minus strand). VCF-style: chr17-19347329-T-C. GRCh37 (hg19) VCF-style: chr17-19250642-T-C.
Other names: c.344A>G, p.His115Arg (NM_001321214.2, NM_001321215.3, NM_001321216.2 and 4 more transcripts); c.-17A>G (NM_001368769.2); short protein forms H115R.
Identifiers: ClinVar variation 1014414 (VCV001014414.5), dbSNP rs748742792, ClinGen allele CA398695964.